The following is an entry in ClinVar:

NM_001330677.2(TBX15):c.1778C>T (p.Ser593Phe)

Gene: TBX15 (T-box transcription factor 15; minus strand). Cytogenetic location: 1p12.
Variant type: single nucleotide variant.
Coding change: c.1778C>T on transcript NM_001330677.2 (MANE Select); coding-DNA position 1778, C replaced by T.
Protein change: p.Ser593Phe; replaces serine 593 with phenylalanine.
Molecular consequence: missense variant.
Genome position (GRCh38, 1-based): chr1:118,884,763, G>A on the plus strand (C>T on the coding strand, the complement: TBX15 is on the minus strand). VCF-style: chr1-118884763-G-A. GRCh37 (hg19) VCF-style: chr1-119427386-G-A.
Other names: c.1460C>T, p.Ser487Phe (NM_152380.3); c.1460C>T (NM_152380.2); short protein forms S593F, S487F.
Identifiers: ClinVar variation 1404637 (VCV001404637.6), dbSNP rs940938093, ClinGen allele CA30359996.

ClinVar aggregate classification (germline): Uncertain significance. Review status: criteria provided, multiple submitters, no conflicts (2 of 4 stars). 2 submissions from 2 submitters: Uncertain significance (2). Last evaluated 2024-10-06.

Conditions:
Inborn genetic diseases. Identifiers: MedGen C0950123, MeSH D030342.

Allele frequency attached by ClinVar (database versions not stated): gnomAD exomes 0.00001 and 0.00003; gnomAD 0.00005 and 0.00006; TOPMed 0.00006.
gnomAD v4.1: 57 of 1,613,988 alleles (0.0035%); highest among the groups gnomAD compares: Non-Finnish European, 0.0047%; no homozygotes.

Submissions (2):

Ambry Genetics
Classification: Uncertain significance for Inborn genetic diseases. Last evaluated: 2024-10-06. Review status: criteria provided, single submitter. Criteria: Ambry Variant Classification Scheme 2023. Collection method: clinical testing. Allele origin: germline.

Labcorp Genetics (formerly Invitae), Labcorp
Classification: Uncertain significance. Last evaluated: 2022-06-13. Review status: criteria provided, single submitter. Criteria: Invitae Variant Classification Sherloc (09022015). Collection method: clinical testing. Allele origin: germline.
Comment: This sequence change replaces serine, which is neutral and polar, with phenylalanine, which is neutral and non-polar, at codon 487 of the TBX15 protein (p.Ser487Phe). This variant is present in population databases (no rsID available, gnomAD 0.002%). This variant has not been reported in the literature in individuals affected with TBX15-related conditions. Algorithms developed to predict the effect of missense changes on protein structure and function are either unavailable or do not agree on the potential impact of this missense change (SIFT: "Deleterious"; PolyPhen-2: "Possibly Damaging"; Align-GVGD: "Class C0"). In summary, the available evidence is currently insufficient to determine the role of this variant in disease. Therefore, it has been classified as a Variant of Uncertain Significance.